The following is an entry in ClinVar:

NM_001379110.1(SLC9A6):c.886-8A>G

Gene: SLC9A6 (solute carrier family 9 member A6; plus strand). Cytogenetic location: Xq26.3.
Variant type: single nucleotide variant.
Coding change: c.886-8A>G on transcript NM_001379110.1 (MANE Select); 8 bases into the intron before coding-DNA position 886, A replaced by G.
Molecular consequence: intron variant.
Genome position (GRCh38, 1-based): chrX:136,012,941, A>G. VCF-style: chrX-136012941-A-G. GRCh37 (hg19) VCF-style: chrX-135095100-A-G.
Other names: c.1042-8A>G (NM_001042537.2); c.946-8A>G (NM_006359.3); c.886-8A>G (NM_001177651.2); c.790-8A>G (NM_001330652.2).
Identifiers: ClinVar variation 1310234 (VCV001310234.2), dbSNP rs2148173826, ClinGen allele CA2573055117.
Genomic context (GRCh38, chrX:136,012,941, plus strand): 5'-TAAACTGTTATTTTTTCTAGTCACACTTTTGTGTTACAAGATCTCATTACTAGCCTTAAC[A>G]GTCTTACGTGACAAAGTTCACCAAATTACGGGAGTTCCAGTTGTTGGAGACAGGCCTGTT-3'

ClinVar aggregate classification (germline): Uncertain significance (1 of 4 stars; one submission).

gnomAD v4.1: 2 of 1,168,499 alleles (0.00017%); highest among the groups gnomAD compares: Non-Finnish European, 0.00023%; no homozygotes.

Submission:

GeneDx
Classification: Uncertain significance. Last evaluated: 2019-11-13. Review status: criteria provided, single submitter. Criteria: GeneDx Variant Classification Process June 2021. Collection method: clinical testing. Allele origin: germline. Affected: yes.
Comment: Not observed in large population cohorts (Lek et al., 2016); Has not been previously published as pathogenic or benign to our knowledge; In-silico analysis, which includes splice predictors and evolutionary conservation, is inconclusive as to whether the variant alters gene splicing. In the absence of RNA/functional studies, the actual effect of this sequence change is unknown.